The following is an entry in ClinVar:

ClinVar aggregate classification (germline): Uncertain significance. Review status: criteria provided, multiple submitters, no conflicts (2 of 4 stars). 2 submissions from 2 submitters: Uncertain significance (2). Last evaluated 2022-09-08.

Conditions:
Familial cancer of breast. Also called: BREAST CANCER, FAMILIAL; Hereditary breast cancer; hereditary breast carcinoma. Identifiers: Orphanet 227535, MedGen C0346153, MONDO:0016419, OMIM 114480. Disease mechanism: loss of function.
Hereditary cancer-predisposing syndrome. Also called: Neoplastic Syndromes, Hereditary; Hereditary Cancer Syndrome; Hereditary neoplastic syndrome; Tumor predisposition. Identifiers: Orphanet 140162, MedGen C0027672, MeSH D009386, MONDO:0015356.

Submissions (2):

Ambry Genetics
Classification: Uncertain significance for Hereditary cancer-predisposing syndrome. Last evaluated: 2022-09-08. Review status: criteria provided, single submitter. Criteria: Ambry Variant Classification Scheme 2023. Collection method: clinical testing. Allele origin: germline.
Comment: The p.F236I variant (also known as c.706T>A), located in coding exon 4 of the PALB2 gene, results from a T to A substitution at nucleotide position 706. The phenylalanine at codon 236 is replaced by isoleucine, an amino acid with highly similar properties. This amino acid position is conserved. In addition, this alteration is predicted to be tolerated by in silico analysis. Since supporting evidence is limited at this time, the clinical significance of this alteration remains unclear.

Labcorp Genetics (formerly Invitae), Labcorp
Classification: Uncertain significance for Familial cancer of breast. Last evaluated: 2019-07-14. Review status: criteria provided, single submitter. Criteria: Invitae Variant Classification Sherloc (09022015). Collection method: clinical testing. Allele origin: germline.
Comment: This variant is not present in population databases (ExAC no frequency). This sequence change replaces phenylalanine with isoleucine at codon 236 of the PALB2 protein (p.Phe236Ile). The phenylalanine residue is weakly conserved and there is a small physicochemical difference between phenylalanine and isoleucine. This variant has not been reported in the literature in individuals with PALB2-related disease. Algorithms developed to predict the effect of missense changes on protein structure and function output the following: SIFT: "Tolerated"; PolyPhen-2: "Benign"; Align-GVGD: "Class C0". The isoleucine amino acid residue is found in multiple mammalian species, suggesting that this missense change does not adversely affect protein function. These predictions have not been confirmed by published functional studies and their clinical significance is uncertain. In summary, the available evidence is currently insufficient to determine the role of this variant in disease. Therefore, it has been classified as a Variant of Uncertain Significance.

NM_024675.4(PALB2):c.706T>A (p.Phe236Ile)

Gene: PALB2 (partner and localizer of BRCA2; minus strand). Cytogenetic location: 16p12.2.
Variant type: single nucleotide variant.
Coding change: c.706T>A on transcript NM_024675.4 (MANE Select); coding-DNA position 706, T replaced by A.
Protein change: p.Phe236Ile; replaces phenylalanine 236 with isoleucine.
Molecular consequence: missense variant.
Genome position (GRCh38, 1-based): chr16:23,635,840, A>T on the plus strand (T>A on the coding strand, the complement: PALB2 is on the minus strand). VCF-style: chr16-23635840-A-T. GRCh37 (hg19) VCF-style: chr16-23647161-A-T.
Other names: short protein forms F236I.
Identifiers: ClinVar variation 461018 (VCV000461018.14), dbSNP rs1196649458, ClinGen allele CA395136357.